The following is an entry in ClinVar:

ClinVar aggregate classification (germline): Likely benign (1 of 4 stars; one submission).

gnomAD v4.1: 433 of 1,499,428 alleles (0.029%); highest among the groups gnomAD compares: Non-Finnish European, 0.036%; no homozygotes.

Submission:

CeGaT Center for Human Genetics Tuebingen
Classification: Likely benign. Last evaluated: 2022-03-01. Review status: criteria provided, single submitter. Criteria: CeGaT Center For Human Genetics Tuebingen Variant Classification Criteria Version 2. Collection method: clinical testing. Allele origin: germline. Affected: yes. Observed: 1 variant allele.
Comment: RBFOX1: BP4

NM_018723.4(RBFOX1):c.1071+369G>C

Genes: RBFOX1 (RNA binding fox-1 homolog 1; plus strand), LOC126862279 (MED14-independent group 3 enhancer GRCh37_chr16:7758954-7760153; plus strand). Cytogenetic location: 16p13.3.
Variant type: single nucleotide variant.
Coding change: c.1071+369G>C on transcript NM_018723.4 (MANE Select); 369 bases into the intron after coding-DNA position 1071, G replaced by C.
Molecular consequence: intron variant. On other transcripts: missense variant (7).
Genome position (GRCh38, 1-based): chr16:7,709,500, G>C. VCF-style: chr16-7709500-G-C. GRCh37 (hg19) VCF-style: chr16-7759502-G-C.
Other names: c.1184+369G>C (NM_001415904.1); c.1131+369G>C (NM_001415896.1); c.1187+369G>C (NM_145893.3); c.1134+369G>C (NM_145891.3, NM_145892.3); c.1103+369G>C (NM_001415915.1); c.1053+369G>C (NM_001415906.1, NM_001415905.1); c.1130+369G>C (NM_001415911.1); c.1077+369G>C (NM_001415902.1); and 29 more; short protein forms G345R, G385R, G396R, G403R, K402N, K413N, K420N.
Identifiers: ClinVar variation 2646178 (VCV002646178.24), dbSNP rs937003685, ClinGen allele CA277957981.